The following is an entry in ClinVar:

ClinVar aggregate classification (germline): Uncertain significance. Review status: criteria provided, multiple submitters, no conflicts (2 of 4 stars). 2 submissions from 2 submitters: Uncertain significance (2). Last evaluated 2025-02-12.

Conditions:
Familial hemophagocytic lymphohistiocytosis 2 (FHL2). Also called: PRF1-Related Familial Hemophagocytic Lymphohistiocytosis (PRF1-fHLH). Identifiers: Orphanet 540, MedGen C1863727, MONDO:0011337, OMIM 603553.
Inborn genetic diseases. Identifiers: MedGen C0950123, MeSH D030342.

Allele frequency attached by ClinVar (database versions not stated): gnomAD 0.00001; gnomAD exomes 0.00001 and 0.00002; TOPMed 0.00001.
gnomAD v4.1: 7 of 1,614,050 alleles (0.00043%); highest among the groups gnomAD compares: Middle Eastern, 0.016%; no homozygotes.

Submissions (2):

Ambry Genetics
Classification: Uncertain significance for Inborn genetic diseases. Last evaluated: 2025-02-12. Review status: criteria provided, single submitter. Criteria: Ambry Variant Classification Scheme 2023. Collection method: clinical testing. Allele origin: germline.

Labcorp Genetics (formerly Invitae), Labcorp
Classification: Uncertain significance for Familial hemophagocytic lymphohistiocytosis 2. Last evaluated: 2024-11-13. Review status: criteria provided, single submitter. Criteria: Invitae Variant Classification Sherloc (09022015). Collection method: clinical testing. Allele origin: germline.
Comment: This sequence change replaces glycine, which is neutral and non-polar, with serine, which is neutral and polar, at codon 532 of the PRF1 protein (p.Gly532Ser). This variant is present in population databases (no rsID available, gnomAD 0.006%). This variant has not been reported in the literature in individuals affected with PRF1-related conditions. ClinVar contains an entry for this variant (Variation ID: 1381592). Invitae Evidence Modeling of protein sequence and biophysical properties (such as structural, functional, and spatial information, amino acid conservation, physicochemical variation, residue mobility, and thermodynamic stability) indicates that this missense variant is not expected to disrupt PRF1 protein function with a negative predictive value of 95%. In summary, the available evidence is currently insufficient to determine the role of this variant in disease. Therefore, it has been classified as a Variant of Uncertain Significance.

NM_001083116.3(PRF1):c.1594G>A (p.Gly532Ser)

Gene: PRF1 (perforin 1; minus strand). Cytogenetic location: 10q22.1.
Variant type: single nucleotide variant.
Coding change: c.1594G>A on transcript NM_001083116.3 (MANE Select); coding-DNA position 1594, G replaced by A.
Protein change: p.Gly532Ser; replaces glycine 532 with serine.
Molecular consequence: missense variant.
Genome position (GRCh38, 1-based): chr10:70,598,127, C>T on the plus strand (G>A on the coding strand, the complement: PRF1 is on the minus strand). VCF-style: chr10-70598127-C-T. GRCh37 (hg19) VCF-style: chr10-72357883-C-T.
Other names: c.1594G>A, p.Gly532Ser (NM_005041.6); c.1594G>A (NM_001083116.1); short protein forms G532S.
Identifiers: ClinVar variation 1381592 (VCV001381592.7), dbSNP rs1317922602, ClinGen allele CA376954892.